The following is an entry in ClinVar:

ClinVar aggregate classification (germline): Benign/Likely benign. Review status: criteria provided, multiple submitters, no conflicts (2 of 4 stars). 4 submissions from 4 submitters: Benign (2); Likely benign (1). 1 of the submissions does not count toward it. Last evaluated 2025-12-26.

Conditions:
DNAH9-related disorder. Also called: DNAH9-related condition.

Allele frequency attached by ClinVar (database versions not stated): gnomAD exomes 0.00035 and 0.00094; ExAC 0.00117; 1000 Genomes Project 0.00260; 1000 Genomes Project 30x 0.00312; gnomAD 0.00407 and 0.00441; TOPMed 0.00435; ESP Exome Variant Server 0.00515.
gnomAD v4.1: 1,158 of 1,614,120 alleles (0.072%); highest among the groups gnomAD compares: African/African-American, 1.3%; 7 homozygotes.

Submissions (4):

Labcorp Genetics (formerly Invitae), Labcorp
Classification: Benign. Last evaluated: 2025-12-26. Review status: criteria provided, single submitter. Criteria: Invitae Variant Classification Sherloc (09022015). Collection method: clinical testing. Allele origin: germline.

Blueprint Genetics
Classification: Likely benign. Last evaluated: 2024-11-13. Review status: criteria provided, single submitter. Criteria: ACMG Guidelines, 2015. Collection method: clinical testing. Allele origin: germline.

Breakthrough Genomics
Classification: Benign. Review status: criteria provided, single submitter. Criteria: ACMG Guidelines, 2015. Collection method: not provided. Allele origin: germline. Inheritance: Autosomal recessive inheritance. Affected: yes.

PreventionGenetics, part of Exact Sciences
Classification: Benign for DNAH9-related condition. Last evaluated: 2019-08-23. Review status: no assertion criteria provided. Collection method: clinical testing. Allele origin: germline. Not counted in ClinVar's aggregate classification.
Comment: This variant is classified as benign based on ACMG/AMP sequence variant interpretation guidelines (Richards et al. 2015 PMID: 25741868, with internal and published modifications).

NM_001372.4(DNAH9):c.3419G>A (p.Gly1140Glu)

Gene: DNAH9 (dynein axonemal heavy chain 9; plus strand). Cytogenetic location: 17p12.
Variant type: single nucleotide variant.
Coding change: c.3419G>A on transcript NM_001372.4 (MANE Select); coding-DNA position 3419, G replaced by A.
Protein change: p.Gly1140Glu; replaces glycine 1140 with glutamic acid.
Molecular consequence: missense variant.
Genome position (GRCh38, 1-based): chr17:11,679,822, G>A. VCF-style: chr17-11679822-G-A. GRCh37 (hg19) VCF-style: chr17-11583139-G-A.
Other names: c.3419G>A (NM_001372.3); short protein forms G1140E.
Identifiers: ClinVar variation 1598857 (VCV001598857.12), dbSNP rs140587305, ClinGen allele CA8395438.